The following is an entry in ClinVar:

NM_001466.4(FZD2):c.1423A>G (p.Ile475Val)

Gene: FZD2 (frizzled class receptor 2; plus strand). Cytogenetic location: 17q21.31.
Variant type: single nucleotide variant.
Coding change: c.1423A>G on transcript NM_001466.4 (MANE Select); coding-DNA position 1423, A replaced by G.
Protein change: p.Ile475Val; replaces isoleucine 475 with valine.
Molecular consequence: missense variant.
Genome position (GRCh38, 1-based): chr17:44,559,111, A>G. VCF-style: chr17-44559111-A-G. GRCh37 (hg19) VCF-style: chr17-42636479-A-G.
Other names: short protein forms I475V.
Identifiers: ClinVar variation 1375410 (VCV001375410.6), dbSNP rs759841056, ClinGen allele CA8604788.

ClinVar aggregate classification (germline): Uncertain significance (1 of 4 stars; one submission).

Allele frequency attached by ClinVar (database versions not stated): gnomAD exomes below 0.00001; ExAC 0.00001.
gnomAD v4.1: 4 of 1,614,066 alleles (0.00025%); highest among the groups gnomAD compares: South Asian, 0.0011%; no homozygotes.

Submission:

Labcorp Genetics (formerly Invitae), Labcorp
Classification: Uncertain significance. Last evaluated: 2021-08-22. Review status: criteria provided, single submitter. Criteria: Invitae Variant Classification Sherloc (09022015). Collection method: clinical testing. Allele origin: germline.
Comment: This sequence change replaces isoleucine with valine at codon 475 of the FZD2 protein (p.Ile475Val). The isoleucine residue is highly conserved and there is a small physicochemical difference between isoleucine and valine. This variant is present in population databases (rs759841056, ExAC 0.01%). This variant has not been reported in the literature in individuals affected with FZD2-related conditions. Algorithms developed to predict the effect of missense changes on protein structure and function are either unavailable or do not agree on the potential impact of this missense change (SIFT: "Deleterious"; PolyPhen-2: "Benign"; Align-GVGD: "Class C0"). In summary, the available evidence is currently insufficient to determine the role of this variant in disease. Therefore, it has been classified as a Variant of Uncertain Significance.